The following is an entry in ClinVar:

ClinVar aggregate classification (germline): Likely pathogenic (1 of 4 stars; one submission).

gnomAD v4.1: 5 of 1,588,550 alleles (0.00031%); highest among the groups gnomAD compares: Non-Finnish European, 0.00026%; no homozygotes.

Submission:

GeneDx
Classification: Likely pathogenic. Last evaluated: 2023-09-09. Review status: criteria provided, single submitter. Criteria: GeneDx Variant Classification Process June 2021. Collection method: clinical testing. Allele origin: germline. Affected: yes.
Comment: Nonsense variant predicted to result in protein truncation or nonsense mediated decay in a gene for which loss-of-function is a known mechanism of disease; Not observed at significant frequency in large population cohorts (gnomAD); Has not been previously published as pathogenic or benign to our knowledge

NM_015102.5(NPHP4):c.3678G>A (p.Trp1226Ter)

Gene: NPHP4 (nephrocystin 4; minus strand). Cytogenetic location: 1p36.31.
Variant type: single nucleotide variant.
Coding change: c.3678G>A on transcript NM_015102.5 (MANE Select); coding-DNA position 3678, G replaced by A.
Protein change: p.Trp1226Ter; replaces tryptophan 1226 with a stop codon.
Molecular consequence: nonsense. On other transcripts: non-coding transcript variant (1).
Genome position (GRCh38, 1-based): chr1:5,865,240, C>T on the plus strand (G>A on the coding strand, the complement: NPHP4 is on the minus strand). VCF-style: chr1-5865240-C-T. GRCh37 (hg19) VCF-style: chr1-5925300-C-T.
Other names: c.2139G>A, p.Trp713Ter (NM_001291593.2); c.2142G>A, p.Trp714Ter (NM_001291594.2); short protein forms W1226*, W713*, W714*.
Identifiers: ClinVar variation 2579308 (VCV002579308.1), dbSNP rs1449454752, ClinGen allele CA338050427.